The following is an entry in ClinVar:

NM_001366385.1(CARD14):c.1826T>C (p.Leu609Ser)

Gene: CARD14 (caspase recruitment domain family member 14; plus strand). Cytogenetic location: 17q25.3.
Variant type: single nucleotide variant.
Coding change: c.1826T>C on transcript NM_001366385.1 (MANE Select); coding-DNA position 1826, T replaced by C.
Protein change: p.Leu609Ser; replaces leucine 609 with serine.
Molecular consequence: missense variant. On other transcripts: non-coding transcript variant (1).
Genome position (GRCh38, 1-based): chr17:80,198,566, T>C. VCF-style: chr17-80198566-T-C. GRCh37 (hg19) VCF-style: chr17-78172365-T-C.
Other names: c.1826T>C, p.Leu609Ser (NM_024110.4, NM_001257970.1); c.1115T>C, p.Leu372Ser (NM_052819.3); short protein forms L372S, L609S.
Identifiers: ClinVar variation 845968 (VCV000845968.10), dbSNP rs2040807441, ClinGen allele CA401351392.

ClinVar aggregate classification (germline): Uncertain significance (1 of 4 stars; one submission).

Conditions:
Pityriasis rubra pilaris (PRP). Also called: Pityriasis rubra pilaris--familial type. Identifiers: Orphanet 2897, MedGen C0032027, MONDO:0100017, OMIM 173200, MONDO:0008251.
Psoriasis 2. Identifiers: MedGen C1864497, MONDO:0011269, OMIM 602723.

Submission:

Labcorp Genetics (formerly Invitae), Labcorp
Classification: Uncertain significance for Pityriasis rubra pilaris; Psoriasis 2. Last evaluated: 2022-08-01. Review status: criteria provided, single submitter. Criteria: Invitae Variant Classification Sherloc (09022015). Collection method: clinical testing. Allele origin: germline.
Comment: ClinVar contains an entry for this variant (Variation ID: 845968). This variant has not been reported in the literature in individuals affected with CARD14-related conditions. This variant is not present in population databases (gnomAD no frequency). This sequence change replaces leucine, which is neutral and non-polar, with serine, which is neutral and polar, at codon 609 of the CARD14 protein (p.Leu609Ser). Algorithms developed to predict the effect of missense changes on protein structure and function (SIFT, PolyPhen-2, Align-GVGD) all suggest that this variant is likely to be disruptive. In summary, the available evidence is currently insufficient to determine the role of this variant in disease. Therefore, it has been classified as a Variant of Uncertain Significance.